The following is an entry in ClinVar:

ClinVar aggregate classification (germline): Likely benign. Review status: criteria provided, multiple submitters, no conflicts (2 of 4 stars). 2 submissions from 2 submitters: Likely benign (2). Last evaluated 2025-08-29.

Conditions:
Renal cell carcinoma. Identifiers: Orphanet 217071, MedGen C0007134, MeSH D002292, MONDO:0005086, HP:0005584.
Papillary renal cell carcinoma type 1 (RCCP1). Also called: Renal adenocarcinoma; Renal cell carcinoma 1; Renal cell carcinoma, somatic; RENAL CELL CARCINOMA, PAPILLARY, 1, SOMATIC. Identifiers: Orphanet 47044, MedGen C1336839, OMIM 605074, HP:0011797.

Submissions (2):

Labcorp Genetics (formerly Invitae), Labcorp
Classification: Likely benign for Renal cell carcinoma. Last evaluated: 2025-08-29. Review status: criteria provided, single submitter. Criteria: Invitae Variant Classification Sherloc (09022015). Collection method: clinical testing. Allele origin: germline.

Myriad Genetics, Inc.
Classification: Likely benign for Papillary renal cell carcinoma type 1. Last evaluated: 2024-11-07. Review status: criteria provided, single submitter. Criteria: Myriad Autosomal Dominant, Autosomal Recessive and X-Linked Classification Criteria (2023). Collection method: clinical testing. Allele origin: unknown.
Comment: This variant is considered likely benign. This variant is intronic and is not expected to impact mRNA splicing.

NM_000245.4(MET):c.1201-18G>C

Gene: MET (MET proto-oncogene, receptor tyrosine kinase; plus strand). Cytogenetic location: 7q31.2.
Variant type: single nucleotide variant.
Coding change: c.1201-18G>C on transcript NM_000245.4 (MANE Select); 18 bases into the intron before coding-DNA position 1201, G replaced by C.
Molecular consequence: intron variant.
Genome position (GRCh38, 1-based): chr7:116,731,650, G>C. VCF-style: chr7-116731650-G-C. GRCh37 (hg19) VCF-style: chr7-116371704-G-C.
Other names: c.1201-18G>C (NM_001127500.3, NM_001324401.3); c.-90-18G>C (NM_001324402.2).
Identifiers: ClinVar variation 3773269 (VCV003773269.2).